The following is an entry in ClinVar:

ClinVar aggregate classification (germline): Conflicting classifications of pathogenicity. Review status: criteria provided, conflicting classifications (1 of 4 stars). 5 submissions from 5 submitters: Likely pathogenic (1); Uncertain significance (2); Likely benign (1). 1 of the submissions does not count toward it. Last evaluated 2025-06-07.

Conditions:
Hearing loss, X-linked 6. Also called: Deafness, X-linked 6. Identifiers: Orphanet 90625, MedGen C3806737, MONDO:0010484, OMIM 300914.
COL4A6-related disorder. Also called: COL4A6-related condition.

Allele frequency attached by ClinVar (database versions not stated): ExAC 0.00003; gnomAD exomes 0.00003; gnomAD 0.00018; TOPMed 0.00038.
gnomAD v4.1: 53 of 1,209,372 alleles (0.0044%); highest among the groups gnomAD compares: Admixed American, 0.081%; no homozygotes.

Submissions (5):

Ambry Genetics
Classification: Uncertain significance. Last evaluated: 2025-06-07. Review status: criteria provided, single submitter. Criteria: Ambry Variant Classification Scheme 2023. Collection method: clinical testing. Allele origin: germline.

Laboratory of Prof. Karen Avraham, Tel Aviv University
Classification: Likely pathogenic for Hearing loss, X-linked 6. Last evaluated: 2024-08-07. Review status: criteria provided, single submitter. Criteria: ACMG Guidelines, 2015. Collection method: research. Allele origin: germline. Inheritance: X-linked dominant inheritance. Affected: yes. Observed: 2 variant alleles, 1 heterozygote, 1 hemizygote.
Comment: The c.2281G>A:p.(Gly761Ser) variant in COL4A6 is very rare and predicted deleterious by most prediction programs. Other dominant mutations are known in this gene (PMID: 8587250, 8608415), as well as recessive ones. According to ClinVar SCV004459188.1, advanced protein modeling performed at Invitae indicated that this missense variant is expected to disrupt COL4A6 protein function. Since we detected the variant in 2 hearing impaired probands, we concluded 'Likely pathogenic'.

Labcorp Genetics (formerly Invitae), Labcorp
Classification: Uncertain significance. Last evaluated: 2024-03-27. Review status: criteria provided, single submitter. Criteria: Invitae Variant Classification Sherloc (09022015). Collection method: clinical testing. Allele origin: germline.
Comment: This sequence change replaces glycine, which is neutral and non-polar, with serine, which is neutral and polar, at codon 745 of the COL4A6 protein (p.Gly745Ser). This variant is present in population databases (rs750814219, gnomAD 0.06%), and has an allele count higher than expected for a pathogenic variant. This variant has not been reported in the literature in individuals affected with COL4A6-related conditions. ClinVar contains an entry for this variant (Variation ID: 2351887). Advanced modeling of protein sequence and biophysical properties (such as structural, functional, and spatial information, amino acid conservation, physicochemical variation, residue mobility, and thermodynamic stability) performed at Invitae indicates that this missense variant is expected to disrupt COL4A6 protein function with a positive predictive value of 80%. In summary, the available evidence is currently insufficient to determine the role of this variant in disease. Therefore, it has been classified as a Variant of Uncertain Significance.

CeGaT Center for Human Genetics Tuebingen
Classification: Likely benign. Last evaluated: 2023-03-01. Review status: criteria provided, single submitter. Criteria: CeGaT Center For Human Genetics Tuebingen Variant Classification Criteria Version 2. Collection method: clinical testing. Allele origin: germline. Affected: yes. Observed: 1 variant allele.
Comment: COL4A6: BS2

PreventionGenetics, part of Exact Sciences
Classification: Likely benign for COL4A6-related condition. Last evaluated: 2019-11-26. Review status: no assertion criteria provided. Collection method: clinical testing. Allele origin: germline. Not counted in ClinVar's aggregate classification.
Comment: This variant is classified as likely benign based on ACMG/AMP sequence variant interpretation guidelines (Richards et al. 2015 PMID: 25741868, with internal and published modifications).

NM_033641.4(COL4A6):c.2230G>A (p.Gly744Ser)

Gene: COL4A6 (collagen type IV alpha 6 chain; minus strand). Cytogenetic location: Xq22.3.
Variant type: single nucleotide variant.
Coding change: c.2230G>A on transcript NM_033641.4 (MANE Select); coding-DNA position 2230, G replaced by A.
Protein change: p.Gly744Ser; replaces glycine 744 with serine.
Molecular consequence: missense variant.
Genome position (GRCh38, 1-based): chrX:108,179,340, C>T on the plus strand (G>A on the coding strand, the complement: COL4A6 is on the minus strand). VCF-style: chrX-108179340-C-T. GRCh37 (hg19) VCF-style: chrX-107422570-C-T.
Other names: c.2233G>A (NM_001847.3); c.2281G>A, p.Gly761Ser (NM_001287758.2); c.2230G>A, p.Gly744Ser (NM_001287759.2, NM_001287760.2); c.2233G>A, p.Gly745Ser (NM_001847.4); short protein forms G745S, G761S, G744S.
Identifiers: ClinVar variation 2351887 (VCV002351887.31), dbSNP rs750814219, ClinGen allele CA10487663.